The following is an entry in ClinVar:

ClinVar aggregate classification (germline): Conflicting classifications of pathogenicity. Review status: criteria provided, conflicting classifications (1 of 4 stars). 5 submissions from 5 submitters: Uncertain significance (1); Likely benign (4). Last evaluated 2026-06-30.

Conditions:
HNF1B-related disorder. Also called: HNF1B-related disorders; HNF1B-related condition.
Maturity-onset diabetes of the young (MODY). Also called: Maturity onset diabetes mellitus in young. Identifiers: Orphanet 552, MedGen C0342276, MONDO:0018911, HP:0004904.

Allele frequency attached by ClinVar (database versions not stated): TOPMed below 0.00001; gnomAD exomes 0.00002 and 0.00003; ExAC 0.00003; ESP Exome Variant Server 0.00008.
gnomAD v4.1: 22 of 1,613,620 alleles (0.0014%); highest among the groups gnomAD compares: South Asian, 0.014%; 1 homozygote.

Submissions (5):

PreventionGenetics, part of Exact Sciences
Classification: Likely benign for HNF1B-related condition. Last evaluated: 2026-06-30. Review status: criteria provided, single submitter. Criteria: ACMG Guidelines, 2015. Collection method: clinical testing. Allele origin: germline.
Comment: This variant is classified as likely benign based on ACMG/AMP sequence variant interpretation guidelines (Richards et al. 2015 PMID: 25741868, with internal and published modifications).

Labcorp Genetics (formerly Invitae), Labcorp
Classification: Likely benign. Last evaluated: 2024-10-26. Review status: criteria provided, single submitter. Criteria: Invitae Variant Classification Sherloc (09022015). Collection method: clinical testing. Allele origin: germline.

Broad Center for Mendelian Genomics, Broad Institute of MIT and Harvard
Classification: Uncertain significance for Maturity-onset diabetes of the young. Last evaluated: 2020-01-22. Review status: criteria provided, single submitter. Criteria: ACMG Guidelines, 2015. Collection method: curation. Allele origin: germline. Inheritance: Autosomal dominant inheritance.
Comment: The c.100C>T (p.Leu34=) variant in HNF1B has not been previously reported in individuals with MODY and has been identified in 0.03% (8/30614) of South Asian chromosomes by the Genome Aggregation Database (gnomAD; dbSNP rs373201245). Please note that for diseases with clinical variability, or reduced penetrance, pathogenic variants may be present at a low frequency in the general population. Computational prediction tools, including splice predictors, and conservation analyses suggest that this variant may not impact the protein, though this information is not predictive enough to rule out pathogenicity. In summary, the clinical significance of the c.100C>T (p.Leu34=) variant is uncertain. ACMG/AMP Criteria applied: PM2, BP7, BP4 (Richards 2015).

CeGaT Center for Human Genetics Tuebingen
Classification: Likely benign. Last evaluated: 2018-06-01. Review status: criteria provided, single submitter. Criteria: CeGaT Center For Human Genetics Tuebingen Variant Classification Criteria Version 2. Collection method: clinical testing. Allele origin: germline. Affected: yes. Observed: 1 variant allele.

Clinical Genomics, Uppaluri K&H Personalized Medicine Clinic
Classification: Likely benign for Maturity-onset diabetes of the young. Review status: criteria provided, single submitter. Criteria: K & H Uppaluri Personalized Medicine Clinic Variant Classification & Assertion Criteria_Updated V.1. Collection method: research. Allele origin: unknown. Inheritance: Autosomal dominant inheritance.
Comment: HNF1B gene mutations are associated with early onset diabetes and pancreatic atrophy. It is also associated with multiple renal manifestations including renal cysts, Tubulointerstitial disease, glomerulocystic disease, renal hypoplasia, hypomagnesemia. However no sufficient evidence is found to ascertain the role of this particular variant rs373201245, yet.

Literature cited by the submitters: PubMed 24897035 (cited by Clinical Genomics, Uppaluri K&H Personalized Medicine Clinic); PubMed 25536396 (cited by Clinical Genomics, Uppaluri K&H Personalized Medicine Clinic); PubMed 27615128 (cited by Clinical Genomics, Uppaluri K&H Personalized Medicine Clinic); PubMed 28215227 (cited by Clinical Genomics, Uppaluri K&H Personalized Medicine Clinic); PubMed 33434175 (cited by Clinical Genomics, Uppaluri K&H Personalized Medicine Clinic); PubMed 25741167 (cited by Clinical Genomics, Uppaluri K&H Personalized Medicine Clinic); PubMed 26340261 (cited by Clinical Genomics, Uppaluri K&H Personalized Medicine Clinic); PubMed 19639018 (cited by Clinical Genomics, Uppaluri K&H Personalized Medicine Clinic).

NM_000458.4(HNF1B):c.100C>T (p.Leu34=)

Gene: HNF1B (HNF1 homeobox B; minus strand). Cytogenetic location: 17q12.
Variant type: single nucleotide variant.
Coding change: c.100C>T on transcript NM_000458.4 (MANE Select); coding-DNA position 100, C replaced by T.
Protein change: p.Leu34=; no amino-acid change (leucine 34 retained).
Molecular consequence: synonymous variant.
Genome position (GRCh38, 1-based): chr17:37,744,785, G>A on the plus strand (C>T on the coding strand, the complement: HNF1B is on the minus strand). VCF-style: chr17-37744785-G-A. GRCh37 (hg19) VCF-style: chr17-36104776-G-A.
Other names: NM_000458.4:c.100C>T; c.100C>T (NM_000458.3); c.100C>T, p.Leu34= (NM_001165923.4, NM_001304286.2).
Identifiers: ClinVar variation 623896 (VCV000623896.48), dbSNP rs373201245, ClinGen allele CA8519157.